The following is an entry in ClinVar:

ClinVar aggregate classification (germline): Conflicting classifications of pathogenicity. Review status: criteria provided, conflicting classifications (1 of 4 stars). 3 submissions from 3 submitters: Uncertain significance (1); Likely benign (2). Last evaluated 2025-10-15.

Conditions:
Hereditary cancer-predisposing syndrome. Also called: Hereditary neoplastic syndrome; Hereditary Cancer Syndrome; Neoplastic Syndromes, Hereditary; Tumor predisposition. Identifiers: Orphanet 140162, MedGen C0027672, MeSH D009386, MONDO:0015356.

Submissions (3):

Ambry Genetics
Classification: Uncertain significance for Hereditary cancer-predisposing syndrome. Last evaluated: 2025-10-15. Review status: criteria provided, single submitter. Criteria: Ambry Variant Classification Scheme 2023. Collection method: clinical testing. Allele origin: germline.
Comment: The p.V290L variant (also known as c.868G>C), located in coding exon 9 of the BRCA2 gene, results from a G to C substitution at nucleotide position 868. The valine at codon 290 is replaced by leucine, an amino acid with highly similar properties. This amino acid position is not well conserved in available vertebrate species. In addition, this alteration is predicted to be tolerated by in silico analysis. Based on the available evidence, the clinical significance of this variant remains unclear.

University of Washington Department of Laboratory Medicine, University of Washington
Classification: Likely benign for Hereditary cancer-predisposing syndrome. Last evaluated: 2023-03-23. Review status: criteria provided, single submitter. Criteria: Dines et al. (Genet Med. 2020). Collection method: curation. Allele origin: germline.
Comment: Missense variant in a coldspot region where missense variants are very unlikely to be pathogenic (PMID:31911673).

BRCA2 exon 10 coldspot. Reclassification based on statistical prior probability.

GeneDx
Classification: Likely benign. Last evaluated: 2017-02-22. Review status: criteria provided, single submitter. Criteria: GeneDx Variant Classification (06012015). Collection method: clinical testing. Allele origin: germline. Affected: yes.
Comment: This variant is considered likely benign or benign based on one or more of the following criteria: it is a conservative change, it occurs at a poorly conserved position in the protein, it is predicted to be benign by multiple in silico algorithms, and/or has population frequency not consistent with disease.

NM_000059.4(BRCA2):c.868G>C (p.Val290Leu)

Gene: BRCA2 (BRCA2 DNA repair associated; plus strand). Cytogenetic location: 13q13.1.
Variant type: single nucleotide variant.
Coding change: c.868G>C on transcript NM_000059.4 (MANE Select); coding-DNA position 868, G replaced by C.
Protein change: p.Val290Leu; replaces valine 290 with leucine.
Molecular consequence: missense variant.
Genome position (GRCh38, 1-based): chr13:32,332,346, G>C. VCF-style: chr13-32332346-G-C. GRCh37 (hg19) VCF-style: chr13-32906483-G-C.
Other names: short protein forms V290L.
Identifiers: ClinVar variation 507637 (VCV000507637.4), dbSNP rs1555281616, ClinGen allele CA387760591.
Genomic context (GRCh38, chr13:32,332,346, plus strand): 5'-TCAGGGAATTCATTTAAAGTAAATAGCTGCAAAGACCACATTGGAAAGTCAATGCCAAAT[G>C]TCCTAGAAGATGAAGTATATGAAACAGTTGTAGATACCTCTGAAGAAGATAGTTTTTCAT-3'
Protein context (NP_000050.3, residues 280-300): KDHIGKSMPN[Val290Leu]LEDEVYETVV